The following is an entry in ClinVar:

NM_173596.3(SLC39A5):c.931C>T (p.Arg311Ter)

Gene: SLC39A5 (solute carrier family 39 member 5; plus strand). Cytogenetic location: 12q13.3.
Variant type: single nucleotide variant.
Coding change: c.931C>T on transcript NM_173596.3 (MANE Select); coding-DNA position 931, C replaced by T.
Protein change: p.Arg311Ter; replaces arginine 311 with a stop codon.
Molecular consequence: nonsense.
Genome position (GRCh38, 1-based): chr12:56,235,686, C>T. VCF-style: chr12-56235686-C-T. GRCh37 (hg19) VCF-style: chr12-56629470-C-T.
Other names: c.931C>T, p.Arg311Ter (NM_001135195.2); short protein forms R311*.
Identifiers: ClinVar variation 1070876 (VCV001070876.1), dbSNP rs763604286, ClinGen allele CA6627234.
Genomic context (GRCh38, chr12:56,235,686, plus strand): 5'-GTGCTCGGAGGCCTCTTCCTGCTCTTTGTGCTGGAGAACATGCTGGGGCTTTTGCGGCAC[C>T]GAGGGCTCAGGCCAGTGAGTGATACCCTTTTCTCCTCCTTCTGCTGAGACCAGAGTCCCA-3'

ClinVar aggregate classification (germline): Pathogenic (1 of 4 stars; one submission).

Allele frequency attached by ClinVar (database versions not stated): gnomAD 0.00001; gnomAD exomes 0.00002; ExAC 0.00002.

Submission:

Labcorp Genetics (formerly Invitae), Labcorp
Classification: Pathogenic. Last evaluated: 2017-05-04. Review status: criteria provided, single submitter. Criteria: Invitae Variant Classification Sherloc (09022015). Collection method: clinical testing. Allele origin: germline.
Comment: This sequence change creates a premature translational stop signal (p.Arg311*) in the SLC39A5 gene. It is expected to result in an absent or disrupted protein product. This variant is present in population databases (rs763604286, ExAC 0.01%). This variant has not been reported in the literature in individuals with a SLC39A5-related disease. Loss-of-function variants in SLC39A5 are known to be pathogenic (PMID: 24891338). For these reasons, this variant has been classified as Pathogenic.

Literature cited by the submitters: PubMed 24891338.